The following is an entry in ClinVar:

ClinVar aggregate classification (germline): Benign/Likely benign. Review status: criteria provided, multiple submitters, no conflicts (2 of 4 stars). 2 submissions from 2 submitters: Benign (1); Likely benign (1). Last evaluated 2026-01-24.

Conditions:
MEGF8-related Carpenter syndrome. Also called: Carpenter syndrome 2. Identifiers: Orphanet 65759, MedGen C3554247, MONDO:0013998, OMIM 614976.

Allele frequency attached by ClinVar (database versions not stated): gnomAD exomes 0.00053 and 0.00141; ExAC 0.00208; gnomAD 0.00576 and 0.00618; ESP Exome Variant Server 0.00619; TOPMed 0.00643; 1000 Genomes Project 0.00679; 1000 Genomes Project 30x 0.00703.
gnomAD v4.1: 1,692 of 1,613,322 alleles (0.1%); highest among the groups gnomAD compares: African/African-American, 2%; 19 homozygotes.

Submissions (2):

Labcorp Genetics (formerly Invitae), Labcorp
Classification: Benign for MEGF8-related Carpenter syndrome. Last evaluated: 2026-01-24. Review status: criteria provided, single submitter. Criteria: Invitae Variant Classification Sherloc (09022015). Collection method: clinical testing. Allele origin: germline.

GeneDx
Classification: Likely benign. Last evaluated: 2022-04-07. Review status: criteria provided, single submitter. Criteria: GeneDx Variant Classification Process June 2021. Collection method: clinical testing. Allele origin: germline. Affected: yes.
Comment: See Variant Classification Assertion Criteria.

NM_001271938.2(MEGF8):c.357G>A (p.Leu119=)

Gene: MEGF8 (multiple EGF like domains 8; plus strand). Cytogenetic location: 19q13.2.
Variant type: single nucleotide variant.
Coding change: c.357G>A on transcript NM_001271938.2 (MANE Select); coding-DNA position 357, G replaced by A.
Protein change: p.Leu119=; no amino-acid change (leucine 119 retained).
Molecular consequence: synonymous variant.
Genome position (GRCh38, 1-based): chr19:42,334,012, G>A. VCF-style: chr19-42334012-G-A. GRCh37 (hg19) VCF-style: chr19-42838164-G-A.
Other names: c.357G>A, p.Leu119= (NM_001410.3).
Identifiers: ClinVar variation 473328 (VCV000473328.11), dbSNP rs115536529, ClinGen allele CA9474161.